The following is an entry in ClinVar:

NM_001846.4(COL4A2):c.1071A>C (p.Leu357=)

Gene: COL4A2 (collagen type IV alpha 2 chain; plus strand). Cytogenetic location: 13q34.
Variant type: single nucleotide variant.
Coding change: c.1071A>C on transcript NM_001846.4 (MANE Select); coding-DNA position 1071, A replaced by C.
Protein change: p.Leu357=; no amino-acid change (leucine 357 retained).
Molecular consequence: synonymous variant.
Genome position (GRCh38, 1-based): chr13:110,446,857, A>C. VCF-style: chr13-110446857-A-C. GRCh37 (hg19) VCF-style: chr13-111099204-A-C.
Identifiers: ClinVar variation 3038516 (VCV003038516.2), dbSNP rs1014590616, ClinGen allele CA484793183.

ClinVar aggregate classification (germline): Likely benign (0 of 4 stars; one submission).

Conditions:
COL4A2-related disorder. Also called: COL4A2-related disorders; COL4A2-related condition.

Allele frequency attached by ClinVar (database versions not stated): gnomAD exomes 0.00001.
gnomAD v4.1: 3 of 1,611,426 alleles (0.00019%); highest among the groups gnomAD compares: South Asian, 0.0033%; no homozygotes.

Submission:

PreventionGenetics, part of Exact Sciences
Classification: Likely benign for COL4A2-related condition. Last evaluated: 2019-05-28. Review status: no assertion criteria provided. Collection method: clinical testing. Allele origin: germline.
Comment: This variant is classified as likely benign based on ACMG/AMP sequence variant interpretation guidelines (Richards et al. 2015 PMID: 25741868, with internal and published modifications).